The following is an entry in ClinVar:

ClinVar aggregate classification (germline): Benign. Review status: reviewed by expert panel (3 of 4 stars). 18 submissions from 18 submitters: Benign (1). 17 of the submissions do not count toward it. Last evaluated 2019-06-18.

Conditions:
BRCA1-related disorder. Also called: BRCA1-related condition.
Familial cancer of breast. Also called: Hereditary breast cancer; hereditary breast carcinoma; BREAST CANCER, FAMILIAL. Identifiers: Orphanet 227535, MedGen C0346153, MONDO:0016419, OMIM 114480. Disease mechanism: loss of function.
Breast-ovarian cancer, familial, susceptibility to, 1 (BROVCA1). Also called: OVARIAN CANCER, SUSCEPTIBILITY TO; BRCA1 Hereditary Breast and Ovarian Cancer. Identifiers: Orphanet 145, MedGen C2676676, MONDO:0011450, OMIM 604370. Disease mechanism: loss of function.
Pancreatic cancer, susceptibility to, 4. Identifiers: Orphanet 1333, MedGen C3280442, MONDO:0013685, OMIM 614320.
Fanconi anemia, complementation group S (FANCS). Identifiers: MedGen C4554406, MONDO:0054748, OMIM 617883.
Hereditary cancer-predisposing syndrome. Also called: Tumor predisposition; Neoplastic Syndromes, Hereditary; Hereditary Cancer Syndrome; Hereditary neoplastic syndrome. Identifiers: Orphanet 140162, MedGen C0027672, MeSH D009386, MONDO:0015356.
Breast neoplasm. Also called: Neoplasm of breast; Breast tumor; Neoplasm of the breast; Breast Neoplasms. Identifiers: MedGen C1458155, MeSH D001943, MONDO:0021100, HP:0100013. Disease mechanism: gain of function.
Hereditary breast ovarian cancer syndrome. Also called: Hereditary breast and ovarian cancer syndrome (HBOC); Hereditary breast and ovarian cancer syndrome; Hereditary breast and ovarian cancer; Hereditary breast and/or ovarian cancer syndrome; Breast and ovarian cancer; BRCA1- and BRCA2-Associated Hereditary Breast and Ovarian Cancer. Identifiers: Orphanet 145, MedGen C0677776, MeSH D061325, MONDO:0003582. Disease mechanism: loss of function.
Malignant tumor of breast. Also called: Malignant breast neoplasm; Cancer breast. Identifiers: MedGen C0006142, MONDO:0007254. Disease mechanism: loss of function.

Allele frequency attached by ClinVar (database versions not stated): gnomAD exomes 0.00003 and 0.00014; gnomAD 0.00004 and 0.00005; TOPMed 0.00008; ExAC 0.00012; 1000 Genomes Project 0.00020; 1000 Genomes Project 30x 0.00031.
gnomAD v4.1: 47 of 1,614,104 alleles (0.0029%); highest among the groups gnomAD compares: East Asian, 0.074%; 1 homozygote.

Submissions 1 to 13 of 18:

Evidence-based Network for the Interpretation of Germline Mutant Alleles (ENIGMA)
Classification: Benign for Breast-ovarian cancer, familial, susceptibility to, 1. Last evaluated: 2019-06-18. Review status: reviewed by expert panel. Criteria: ENIGMA BRCA1/2 Classification Criteria (2017-06-29). Collection method: curation. Allele origin: germline.
Comment: Variant allele has low bioinformatic likelihood to encode a missense alteration affecting protein function (Missense prior probability 0.02), AND low bioinformatic likelihood to alter mRNA splicing (splicing prior 0.02), AND minor allele frequency 0.00166 (East Asian), derived from gnomAD v2.1.1 non-cancer (2019-05-13).

Labcorp Genetics (formerly Invitae), Labcorp
Classification: Benign for Hereditary breast ovarian cancer syndrome. Last evaluated: 2026-01-26. Review status: criteria provided, single submitter. Criteria: Invitae Variant Classification Sherloc (09022015). Collection method: clinical testing. Allele origin: germline. Not counted in ClinVar's aggregate classification.

Mendelics
Classification: Benign for Breast-ovarian cancer, familial, susceptibility to, 1. Last evaluated: 2023-08-22. Review status: criteria provided, single submitter. Criteria: Mendelics Assertion Criteria 2019. Collection method: clinical testing. Allele origin: germline. Not counted in ClinVar's aggregate classification.

Myriad Genetics, Inc.
Classification: Benign for Breast-ovarian cancer, familial, susceptibility to, 1. Last evaluated: 2023-06-23. Review status: criteria provided, single submitter. Criteria: Myriad Autosomal Dominant, Autosomal Recessive and X-Linked Classification Criteria (2023). Collection method: clinical testing. Allele origin: unknown. Not counted in ClinVar's aggregate classification.
Comment: This variant is considered benign. This variant is strongly associated with less severe personal and family histories of cancer, typical for individuals without pathogenic variants in this gene [PMID: 25085752]. This variant been observed in trans with a known pathogenic variant in one or more individuals. Compound heterozygosity for pathogenic variants in this gene is generally assumed to result in embryonic lethality.

Ambry Genetics
Classification: Likely benign for Hereditary cancer-predisposing syndrome. Last evaluated: 2023-04-27. Review status: criteria provided, single submitter. Criteria: Ambry Variant Classification Scheme 2023. Collection method: clinical testing. Allele origin: germline. Not counted in ClinVar's aggregate classification.

Fulgent Genetics
Classification: Likely benign for Familial cancer of breast; Breast-ovarian cancer, familial, susceptibility to, 1; Pancreatic cancer, susceptibility to, 4; Fanconi anemia, complementation group S. Last evaluated: 2022-03-08. Review status: criteria provided, single submitter. Criteria: ACMG Guidelines, 2015. Collection method: clinical testing. Allele origin: unknown. Not counted in ClinVar's aggregate classification.

Women's Health and Genetics/Laboratory Corporation of America, LabCorp
Classification: Benign. Last evaluated: 2021-11-18. Review status: criteria provided, single submitter. Criteria: LabCorp Variant Classification Summary - May 2015. Collection method: clinical testing. Allele origin: germline. Not counted in ClinVar's aggregate classification.
Comment: Variant summary: BRCA1 c.2286A>T (p.Arg762Ser) results in a non-conservative amino acid change in the encoded protein sequence. Three of five in-silico tools predict a benign effect of the variant on protein function. The variant allele was found at a frequency of 0.00018 in 328564 control chromosomes, predominantly at a frequency of 0.0017 within the East Asian subpopulation in the gnomAD database. The observed variant frequency within East Asian control individuals in the gnomAD database is approximately 2 fold of the estimated maximal expected allele frequency for a pathogenic variant in BRCA1 causing Hereditary Breast And Ovarian Cancer Syndrome phenotype (0.001), strongly suggesting that the variant is a benign polymorphism found primarily in populations of East Asian origin. c.2286A>T has been reported in the literature in individuals affected with Hereditary Breast And Ovarian Cancer Syndrome or other cancers. These reports do not provide unequivocal conclusions about association of the variant with Hereditary Breast And Ovarian Cancer Syndrome. Ten clinical diagnostic laboratories and an expert panel have submitted clinical-significance assessments for this variant to ClinVar after 2014 without evidence for independent evaluation (benign/likely benign n=5, VUS n=5, expert panel benign). Based on the evidence outlined above, the variant was classified as benign.

Genetic Services Laboratory, University of Chicago
Classification: Uncertain significance. Last evaluated: 2019-06-13. Review status: criteria provided, single submitter. Criteria: ACMG Guidelines, 2015. Collection method: clinical testing. Allele origin: germline. Affected: no. Not counted in ClinVar's aggregate classification.

GeneDx
Classification: Likely benign. Last evaluated: 2019-06-11. Review status: criteria provided, single submitter. Criteria: GeneDx Variant Classification Process June 2021. Collection method: clinical testing. Allele origin: germline. Affected: yes. Not counted in ClinVar's aggregate classification.
Comment: This variant is associated with the following publications: (PMID: 14973102, 30111351, 18627636, 25041116, 26852015, 18431501, 28222693, 23175448, 22116506, 28408614, 28961279, 27257965, 26530882, 29470806, 28664506, 30287823, 30702160, 30093976, 31477031)

Quest Diagnostics Nichols Institute San Juan Capistrano
Classification: Benign. Last evaluated: 2018-08-31. Review status: criteria provided, single submitter. Criteria: Quest Diagnostics criteria. Collection method: clinical testing. Allele origin: germline. Not counted in ClinVar's aggregate classification.

Illumina Laboratory Services, Illumina
Classification: Uncertain significance for Breast-ovarian cancer, familial, susceptibility to, 1. Last evaluated: 2018-03-19. Review status: criteria provided, single submitter. Criteria: ICSL Variant Classification Criteria 13 December 2019. Collection method: clinical testing. Allele origin: germline. Not counted in ClinVar's aggregate classification.
Comment: This variant was observed as part of a predisposition screen in an ostensibly healthy population. A literature search was performed for the gene, cDNA change, and amino acid change (where applicable). Publications were found based on this search. However, the evidence from the literature, in combination with allele frequency data from public databases where available, was not sufficient to rule this variant in or out of causing disease. Therefore, this variant is classified as a variant of unknown significance.

Color Diagnostics, LLC DBA Color Health
Classification: Likely benign for Hereditary cancer-predisposing syndrome. Last evaluated: 2016-10-07. Review status: criteria provided, single submitter. Criteria: ACMG Guidelines, 2015. Collection method: clinical testing. Allele origin: germline. Not counted in ClinVar's aggregate classification.

Laboratory of Molecular Diagnosis of Cancer, West China Hospital, Sichuan University
Classification: Uncertain significance for Breast neoplasm. Last evaluated: 2015-11-01. Review status: criteria provided, single submitter. Criteria: ACMG Guidelines, 2015. Collection method: research. Allele origin: germline. Affected: yes. Observed: 1 variant allele. Not counted in ClinVar's aggregate classification.

NM_007294.4(BRCA1):c.2286A>T (p.Arg762Ser)

Gene: BRCA1 (BRCA1 DNA repair associated; minus strand). Cytogenetic location: 17q21.31.
Variant type: single nucleotide variant.
Coding change: c.2286A>T on transcript NM_007294.4 (MANE Select); coding-DNA position 2286, A replaced by T.
Protein change: p.Arg762Ser; replaces arginine 762 with serine.
Molecular consequence: missense variant. On other transcripts: intron variant (137).
Genome position (GRCh38, 1-based): chr17:43,093,245, T>A on the plus strand (A>T on the coding strand, the complement: BRCA1 is on the minus strand). VCF-style: chr17-43093245-T-A. GRCh37 (hg19) VCF-style: chr17-41245262-T-A.
Other names: c.2073A>T, p.Arg691Ser (NM_001407571.1, NM_001407853.1, NM_001407894.1 and 9 more transcripts); c.2286A>T, p.Arg762Ser (NM_001407581.1, NM_001407582.1, NM_001407583.1 and 30 more transcripts); c.2283A>T, p.Arg761Ser (NM_001407587.1, NM_001407590.1, NM_001407591.1 and 22 more transcripts); c.2277A>T, p.Arg759Ser (NM_001407646.1, NM_001407647.1); c.2163A>T, p.Arg721Ser (NM_001407648.1, NM_001407664.1, NM_001407665.1 and 19 more transcripts); c.2160A>T, p.Arg720Ser (NM_001407649.1, NM_001407670.1, NM_001407671.1 and 11 more transcripts); c.2208A>T, p.Arg736Ser (NM_001407653.1, NM_001407654.1, NM_001407655.1 and 4 more transcripts); c.2205A>T, p.Arg735Ser (NM_001407659.1, NM_001407660.1, NM_001407661.1 and 1 more transcripts); and 41 more; short protein forms R762S, R715S, R635S, R651S, R714S, R736S, R634S, R650S.
Identifiers: ClinVar variation 54522 (VCV000054522.40), dbSNP rs273898682, ClinGen allele CA001524.